The following is an entry in ClinVar:

ClinVar aggregate classification (germline): Likely pathogenic (1 of 4 stars; one submission).

Conditions:
Pyruvate carboxylase deficiency. Also called: ATAXIA WITH LACTIC ACIDOSIS II; LEIGH NECROTIZING ENCEPHALOPATHY DUE TO PYRUVATE CARBOXYLASE DEFICIENCY; LEIGH SYNDROME DUE TO PYRUVATE CARBOXYLASE DEFICIENCY; PC DEFICIENCY; Pyruvate Carboxylase Deficiency Disease. Identifiers: Orphanet 3008, MedGen C0034341, MONDO:0009949, OMIM 266150.

Submission:

Myriad Genetics, Inc.
Classification: Likely pathogenic for Pyruvate carboxylase deficiency. Last evaluated: 2022-03-17. Review status: criteria provided, single submitter. Criteria: Myriad Women's Health Autosomal Recessive and X-Linked Classification Criteria (2021). Collection method: clinical testing. Allele origin: unknown.
Comment: NM_000920.3(PC):c.764_765delGG(G255Efs*45) is expected to be pathogenic in the context of pyruvate carboxylase deficiency. This variant is predicted to lead to an abnormal or absent protein product due to the creation of a premature termination codon in PC, a gene where loss-of-function variants are known to be pathogenic. Please note: this variant was assessed in the context of healthy population screening.

NM_001040716.2(PC):c.764_765del (p.Gly255fs)

Gene: PC (pyruvate carboxylase; minus strand). Cytogenetic location: 11q13.2.
Variant type: Deletion.
Coding change: c.764_765del on transcript NM_001040716.2 (MANE Select); coding-DNA positions 764 to 765, 2 bases deleted (GG; older notation c.764_765delGG).
Protein change: p.Gly255fs; shifts the reading frame from glycine 255.
Molecular consequence: frameshift variant.
Genome position (GRCh38, 1-based): chr11:66,870,440-66,870,441, CC deleted on the plus strand (GG on the coding strand, the reverse complement: PC is on the minus strand); deleting any 2 consecutive bases within chr11:66,870,440-66,870,442 gives the same sequence; the c. name uses the placement nearest the transcript's 3' end. VCF-style (leftmost placement, unchanged base first): chr11-66870439-TCC-T. GRCh37 (hg19) VCF-style: chr11-66637910-TCC-T.
Other names: c.764_765del, p.Gly255fs (NM_000920.4, NM_022172.3); short protein forms G255fs.
Identifiers: ClinVar variation 1725334 (VCV001725334.2), dbSNP rs2495765339, ClinGen allele CA2580084577.